The following is an entry in ClinVar:

NM_001122681.2(SH3BP2):c.983C>G (p.Ser328Cys)

Gene: SH3BP2 (SH3 domain binding protein 2; plus strand). Cytogenetic location: 4p16.3.
Variant type: single nucleotide variant.
Coding change: c.983C>G on transcript NM_001122681.2 (MANE Select); coding-DNA position 983, C replaced by G.
Protein change: p.Ser328Cys; replaces serine 328 with cysteine.
Molecular consequence: missense variant.
Genome position (GRCh38, 1-based): chr4:2,829,889, C>G. VCF-style: chr4-2829889-C-G. GRCh37 (hg19) VCF-style: chr4-2831616-C-G.
Other names: c.1067C>G, p.Ser356Cys (NM_001145855.2); c.1154C>G, p.Ser385Cys (NM_001145856.2); c.983C>G, p.Ser328Cys (NM_003023.4); short protein forms S328C, S356C, S385C.
Identifiers: ClinVar variation 1964693 (VCV001964693.5), dbSNP rs1724885887, ClinGen allele CA356056645.

ClinVar aggregate classification (germline): Uncertain significance (1 of 4 stars; one submission).

Conditions:
Fibrous dysplasia of jaw (CRBM). Also called: Cherubism. Identifiers: Orphanet 184, MedGen C0008029, MONDO:0007315, OMIM 118400.

Allele frequency attached by ClinVar (database versions not stated): gnomAD exomes below 0.00001; TOPMed below 0.00001; gnomAD 0.00001.
gnomAD v4.1: 2 of 1,613,848 alleles (0.00012%); highest among the groups gnomAD compares: Non-Finnish European, 0.00017%; no homozygotes.

Submission:

Labcorp Genetics (formerly Invitae), Labcorp
Classification: Uncertain significance for Fibrous dysplasia of jaw. Last evaluated: 2022-09-02. Review status: criteria provided, single submitter. Criteria: Invitae Variant Classification Sherloc (09022015). Collection method: clinical testing. Allele origin: germline.
Comment: This variant has not been reported in the literature in individuals affected with SH3BP2-related conditions. Algorithms developed to predict the effect of missense changes on protein structure and function are either unavailable or do not agree on the potential impact of this missense change (SIFT: "Deleterious"; PolyPhen-2: "Possibly Damaging"; Align-GVGD: "Class C15"). In summary, the available evidence is currently insufficient to determine the role of this variant in disease. Therefore, it has been classified as a Variant of Uncertain Significance. This variant is not present in population databases (gnomAD no frequency). This sequence change replaces serine, which is neutral and polar, with cysteine, which is neutral and slightly polar, at codon 328 of the SH3BP2 protein (p.Ser328Cys).